The following is an entry in ClinVar:

NM_003560.4(PLA2G6):c.1180G>A (p.Gly394Ser)

Gene: PLA2G6 (phospholipase A2 group VI; minus strand). Cytogenetic location: 22q13.1.
Variant type: single nucleotide variant.
Coding change: c.1180G>A on transcript NM_003560.4 (MANE Select); coding-DNA position 1180, G replaced by A.
Protein change: p.Gly394Ser; replaces glycine 394 with serine.
Molecular consequence: missense variant.
Genome position (GRCh38, 1-based): chr22:38,129,460, C>T on the plus strand (G>A on the coding strand, the complement: PLA2G6 is on the minus strand). VCF-style: chr22-38129460-C-T. GRCh37 (hg19) VCF-style: chr22-38525467-C-T.
Other names: c.1180G>A, p.Gly394Ser (NM_001004426.3, NM_001199562.3, NM_001349864.2 and 2 more transcripts); c.646G>A, p.Gly216Ser (NM_001349867.2, NM_001349869.2); c.502G>A, p.Gly168Ser (NM_001349868.2); short protein forms G168S, G216S, G394S.
Identifiers: ClinVar variation 1704894 (VCV001704894.2), dbSNP rs745443102, ClinGen allele CA10231006.

ClinVar aggregate classification (germline): Uncertain significance (1 of 4 stars; one submission).

Allele frequency attached by ClinVar (database versions not stated): gnomAD exomes 0.00001; ExAC 0.00002; TOPMed 0.00002; gnomAD 0.00003.
gnomAD v4.1: 25 of 1,609,488 alleles (0.0016%); highest among the groups gnomAD compares: Non-Finnish European, 0.0018%; no homozygotes.

Submission:

GeneDx
Classification: Uncertain significance. Last evaluated: 2022-03-09. Review status: criteria provided, single submitter. Criteria: GeneDx Variant Classification Process June 2021. Collection method: clinical testing. Allele origin: germline. Affected: yes.
Comment: Not observed at significant frequency in large population cohorts (gnomAD); In silico analysis supports that this missense variant does not alter protein structure/function; Has not been previously published as pathogenic or benign to our knowledge